The following is an entry in ClinVar:

NM_007194.4(CHEK2):c.1335C>G (p.Tyr445Ter)

Gene: CHEK2 (checkpoint kinase 2; minus strand). Cytogenetic location: 22q12.1.
Variant type: single nucleotide variant.
Coding change: c.1335C>G on transcript NM_007194.4 (MANE Select); coding-DNA position 1335, C replaced by G.
Protein change: p.Tyr445Ter; replaces tyrosine 445 with a stop codon.
Molecular consequence: nonsense.
Genome position (GRCh38, 1-based): chr22:28,695,167, G>C on the plus strand (C>G on the coding strand, the complement: CHEK2 is on the minus strand). VCF-style: chr22-28695167-G-C. GRCh37 (hg19) VCF-style: chr22-29091155-G-C.
Other names: c.1464C>G, p.Tyr488Ter (NM_001005735.3); c.672C>G, p.Tyr224Ter (NM_001257387.3); c.1134C>G, p.Tyr378Ter (NM_001349956.3); c.1248C>G, p.Tyr416Ter (NM_145862.3); short protein forms Y224*, Y378*, Y416*, Y445*, Y488*.
Identifiers: ClinVar variation 2584305 (VCV002584305.2), dbSNP rs1601719469, ClinGen allele CA411095767.

ClinVar aggregate classification (germline): Pathogenic (1 of 4 stars; one submission).

Conditions:
Familial cancer of breast. Also called: BREAST CANCER, FAMILIAL; hereditary breast carcinoma; Hereditary breast cancer. Identifiers: Orphanet 227535, MedGen C0346153, MONDO:0016419, OMIM 114480. Disease mechanism: loss of function.

Submission:

Myriad Genetics, Inc.
Classification: Pathogenic for Familial cancer of breast. Last evaluated: 2023-06-28. Review status: criteria provided, single submitter. Criteria: Myriad Autosomal Dominant, Autosomal Recessive and X-Linked Classification Criteria (2023). Collection method: clinical testing. Allele origin: unknown.
Comment: This variant is considered pathogenic. This variant creates a termination codon and is predicted to result in premature protein truncation.